The following is an entry in ClinVar:

ClinVar aggregate classification (germline): Uncertain significance. Review status: criteria provided, multiple submitters, no conflicts (2 of 4 stars). 2 submissions from 2 submitters: Uncertain significance (2). Last evaluated 2023-05-02.

Submissions (2):

GeneDx
Classification: Uncertain significance. Last evaluated: 2023-05-02. Review status: criteria provided, single submitter. Criteria: GeneDx Variant Classification Process June 2021. Collection method: clinical testing. Allele origin: germline. Affected: yes.
Comment: Not observed at significant frequency in large population cohorts (gnomAD); In silico analysis supports that this missense variant does not alter protein structure/function; Has not been previously published as pathogenic or benign to our knowledge

Labcorp Genetics (formerly Invitae), Labcorp
Classification: Uncertain significance. Last evaluated: 2021-09-22. Review status: criteria provided, single submitter. Criteria: Invitae Variant Classification Sherloc (09022015). Collection method: clinical testing. Allele origin: germline.
Comment: This sequence change replaces serine with glycine at codon 2521 of the DCHS1 protein (p.Ser2521Gly). The serine residue is highly conserved and there is a small physicochemical difference between serine and glycine. This variant is not present in population databases (ExAC no frequency). This variant has not been reported in the literature in individuals affected with DCHS1-related conditions. Advanced modeling of protein sequence and biophysical properties (such as structural, functional, and spatial information, amino acid conservation, physicochemical variation, residue mobility, and thermodynamic stability) performed at Invitae indicates that this missense variant is not expected to disrupt DCHS1 protein function. In summary, the available evidence is currently insufficient to determine the role of this variant in disease. Therefore, it has been classified as a Variant of Uncertain Significance.

NM_003737.4(DCHS1):c.7561A>G (p.Ser2521Gly)

Gene: DCHS1 (dachsous cadherin-related 1; minus strand). Cytogenetic location: 11p15.4.
Variant type: single nucleotide variant.
Coding change: c.7561A>G on transcript NM_003737.4 (MANE Select); coding-DNA position 7561, A replaced by G.
Protein change: p.Ser2521Gly; replaces serine 2521 with glycine.
Molecular consequence: missense variant.
Genome position (GRCh38, 1-based): chr11:6,624,115, T>C on the plus strand (A>G on the coding strand, the complement: DCHS1 is on the minus strand). VCF-style: chr11-6624115-T-C. GRCh37 (hg19) VCF-style: chr11-6645346-T-C.
Other names: c.7561A>G (NM_003737.3); short protein forms S2521G.
Identifiers: ClinVar variation 1382678 (VCV001382678.6), dbSNP rs2134612147, ClinGen allele CA379482835.